The following is an entry in ClinVar:

NM_002547.3(OPHN1):c.913C>G (p.Gln305Glu)

Gene: OPHN1 (oligophrenin 1; minus strand). Cytogenetic location: Xq12.
Variant type: single nucleotide variant.
Coding change: c.913C>G on transcript NM_002547.3 (MANE Select); coding-DNA position 913, C replaced by G.
Protein change: p.Gln305Glu; replaces glutamine 305 with glutamic acid.
Molecular consequence: missense variant.
Genome position (GRCh38, 1-based): chrX:68,206,593, G>C on the plus strand (C>G on the coding strand, the complement: OPHN1 is on the minus strand). VCF-style: chrX-68206593-G-C. GRCh37 (hg19) VCF-style: chrX-67426435-G-C.
Other names: c.913C>G, p.Gln305Glu (NM_001437258.1); short protein forms Q305E.
Identifiers: ClinVar variation 4729655 (VCV004729655.1).
Genomic context (GRCh38, chrX:68,206,593, plus strand): 5'-TAGATCCATTTCCAAAAATATGGTGCAAACAAGAACTGACCTGCTTAGCACCTGGCTTCT[G>C]CTCCATAGGCGTCATGGTCAGTGTTTTGGTCTCTTTCTCATACTGGCAATAGTATTTCAC-3'
Protein context (NP_002538.1, residues 295-315): TKTLTMTPME[Gln305Glu]KPGAKQGPLD

ClinVar aggregate classification (germline): Uncertain significance (1 of 4 stars; one submission).

Submission:

Labcorp Genetics (formerly Invitae), Labcorp
Classification: Uncertain significance. Last evaluated: 2025-10-28. Review status: criteria provided, single submitter. Criteria: Invitae Variant Classification Sherloc (09022015). Collection method: clinical testing. Allele origin: germline.
Comment: This sequence change replaces glutamine, which is neutral and polar, with glutamic acid, which is acidic and polar, at codon 305 of the OPHN1 protein (p.Gln305Glu). This variant is not present in population databases (gnomAD no frequency). This variant has not been reported in the literature in individuals affected with OPHN1-related conditions. An algorithm developed to predict the effect of missense changes on protein structure and function (PolyPhen-2) suggests that this variant is likely to be disruptive. In summary, the available evidence is currently insufficient to determine the role of this variant in disease. Therefore, it has been classified as a Variant of Uncertain Significance.